The following is an entry in ClinVar:

NM_004006.3(DMD):c.863G>C (p.Arg288Thr)

Gene: DMD (dystrophin; minus strand). Cytogenetic location: Xp21.1.
Variant type: single nucleotide variant.
Coding change: c.863G>C on transcript NM_004006.3 (MANE Select); coding-DNA position 863, G replaced by C.
Protein change: p.Arg288Thr; replaces arginine 288 with threonine.
Molecular consequence: missense variant.
Genome position (GRCh38, 1-based): chrX:32,697,967, C>G on the plus strand (G>C on the coding strand, the complement: DMD is on the minus strand). VCF-style: chrX-32697967-C-G. GRCh37 (hg19) VCF-style: chrX-32716084-C-G.
Other names: c.839G>C, p.Arg280Thr (NM_000109.4); c.851G>C, p.Arg284Thr (NM_004009.3); c.494G>C, p.Arg165Thr (NM_004010.3); short protein forms R288T, R280T, R165T, R284T.
Identifiers: ClinVar variation 499868 (VCV000499868.26), dbSNP rs767304770, ClinGen allele CA10380040.

ClinVar aggregate classification (germline): Conflicting classifications of pathogenicity. Review status: criteria provided, conflicting classifications (1 of 4 stars). 7 submissions from 7 submitters: Uncertain significance (3); Likely benign (3). 1 of the submissions does not count toward it. Last evaluated 2025-10-13.

Conditions:
Duchenne muscular dystrophy (DMD). Also called: MUSCULAR DYSTROPHY, PSEUDOHYPERTROPHIC PROGRESSIVE, DUCHENNE TYPE; Duchenne Muscular Dystrophy (DMD). Identifiers: Orphanet 98896, MedGen C0013264, MONDO:0010679, OMIM 310200.
Cardiovascular phenotype. Identifiers: MedGen CN230736.
Cardiomyopathy (CMYO). Also called: Cardiomyopathies. Identifiers: Orphanet 167848, MedGen C0878544, MONDO:0004994, HP:0001638. Inheritance: Various modes of inheritance.
Becker muscular dystrophy (BMD). Also called: MUSCULAR DYSTROPHY, PSEUDOHYPERTROPHIC PROGRESSIVE, BECKER TYPE; Becker Muscular Dystrophy (BMD). Identifiers: Orphanet 98895, MedGen C0917713, MONDO:0010311, OMIM 300376.
Dystrophin deficiency.

Allele frequency attached by ClinVar (database versions not stated): ExAC 0.00002; TOPMed 0.00005; gnomAD 0.00007.
gnomAD v4.1: 15 of 1,198,860 alleles (0.0013%); highest among the groups gnomAD compares: South Asian, 0.0018%; no homozygotes.

Submissions (7):

Labcorp Genetics (formerly Invitae), Labcorp
Classification: Likely benign for Duchenne muscular dystrophy. Last evaluated: 2025-10-13. Review status: criteria provided, single submitter. Criteria: Invitae Variant Classification Sherloc (09022015). Collection method: clinical testing. Allele origin: germline.

Ambry Genetics
Classification: Likely benign for Cardiovascular phenotype. Last evaluated: 2021-03-09. Review status: criteria provided, single submitter. Criteria: Ambry Variant Classification Scheme 2023. Collection method: clinical testing. Allele origin: germline.

Mayo Clinic Laboratories, Mayo Clinic
Classification: Uncertain significance. Last evaluated: 2020-02-12. Review status: criteria provided, single submitter. Criteria: ACMG Guidelines, 2015. Collection method: clinical testing. Allele origin: germline. Observed: 1 variant allele.

Revvity Omics, Revvity
Classification: Uncertain significance. Last evaluated: 2019-06-12. Review status: criteria provided, single submitter. Criteria: ACMG Guidelines, 2015. Collection method: clinical testing. Allele origin: germline.

GeneDx
Classification: Likely benign. Last evaluated: 2018-04-09. Review status: criteria provided, single submitter. Criteria: GeneDx Variant Classification (06012015). Collection method: clinical testing. Allele origin: germline. Affected: yes.
Comment: This variant is considered likely benign or benign based on one or more of the following criteria: it is a conservative change, it occurs at a poorly conserved position in the protein, it is predicted to be benign by multiple in silico algorithms, and/or has population frequency not consistent with disease.

Eurofins Ntd Llc (ga)
Classification: Uncertain significance. Last evaluated: 2017-01-13. Review status: criteria provided, single submitter. Criteria: EGL Classification Definitions 2015. Collection method: clinical testing. Allele origin: germline. Observed: 2 variant alleles, 2 hemizygotes.

Natera, Inc.
Classification: Likely benign for Becker muscular dystrophy; Cardiomyopathy; Duchenne muscular dystrophy; Dystrophin deficiency. Last evaluated: 2020-04-15. Review status: no assertion criteria provided. Collection method: clinical testing. Allele origin: germline. Not counted in ClinVar's aggregate classification.